The following is an entry in ClinVar:

ClinVar aggregate classification (germline): Uncertain significance (1 of 4 stars; one submission).

Conditions:
Combined oxidative phosphorylation defect type 17. Also called: Combined oxidative phosphorylation deficiency 17. Identifiers: Orphanet 369913, MedGen C3809526, MONDO:0014190, OMIM 615440.

Submission:

Labcorp Genetics (formerly Invitae), Labcorp
Classification: Uncertain significance for Combined oxidative phosphorylation defect type 17. Last evaluated: 2024-04-22. Review status: criteria provided, single submitter. Criteria: Invitae Variant Classification Sherloc (09022015). Collection method: clinical testing. Allele origin: germline.
Comment: This sequence change replaces leucine, which is neutral and non-polar, with valine, which is neutral and non-polar, at codon 370 of the ELAC2 protein (p.Leu370Val). This variant is not present in population databases (gnomAD no frequency). This variant has not been reported in the literature in individuals affected with ELAC2-related conditions. ClinVar contains an entry for this variant (Variation ID: 1480272). Advanced modeling of protein sequence and biophysical properties (such as structural, functional, and spatial information, amino acid conservation, physicochemical variation, residue mobility, and thermodynamic stability) performed at Invitae indicates that this missense variant is not expected to disrupt ELAC2 protein function with a negative predictive value of 80%. In summary, the available evidence is currently insufficient to determine the role of this variant in disease. Therefore, it has been classified as a Variant of Uncertain Significance.

NM_018127.7(ELAC2):c.1108C>G (p.Leu370Val)

Gene: ELAC2 (elaC ribonuclease Z 2; minus strand). Cytogenetic location: 17p12.
Variant type: single nucleotide variant.
Coding change: c.1108C>G on transcript NM_018127.7 (MANE Select); coding-DNA position 1108, C replaced by G.
Protein change: p.Leu370Val; replaces leucine 370 with valine.
Molecular consequence: missense variant.
Genome position (GRCh38, 1-based): chr17:13,002,551, G>C on the plus strand (C>G on the coding strand, the complement: ELAC2 is on the minus strand). VCF-style: chr17-13002551-G-C. GRCh37 (hg19) VCF-style: chr17-12905868-G-C.
Other names: c.988C>G, p.Leu330Val (NM_001165962.2); c.1108C>G, p.Leu370Val (NM_173717.2); short protein forms L330V, L370V.
Identifiers: ClinVar variation 1480272 (VCV001480272.8), dbSNP rs2143606789, ClinGen allele CA398225528.